The following is an entry in ClinVar:

NM_001384732.1(CPLANE1):c.5066A>G (p.Gln1689Arg)

Gene: CPLANE1 (ciliogenesis and planar polarity effector complex subunit 1; minus strand). Cytogenetic location: 5p13.2.
Variant type: single nucleotide variant.
Coding change: c.5066A>G on transcript NM_001384732.1 (MANE Select); coding-DNA position 5066, A replaced by G.
Protein change: p.Gln1689Arg; replaces glutamine 1689 with arginine.
Molecular consequence: missense variant.
Genome position (GRCh38, 1-based): chr5:37,183,115, T>C on the plus strand (A>G on the coding strand, the complement: CPLANE1 is on the minus strand). VCF-style: chr5-37183115-T-C. GRCh37 (hg19) VCF-style: chr5-37183217-T-C.
Other names: c.5066A>G, p.Gln1689Arg (NM_023073.4); short protein forms Q1689R.
Identifiers: ClinVar variation 1410818 (VCV001410818.7), dbSNP rs761691903, ClinGen allele CA3238606.

ClinVar aggregate classification (germline): Uncertain significance. Review status: criteria provided, multiple submitters, no conflicts (2 of 4 stars). 2 submissions from 2 submitters: Uncertain significance (2). Last evaluated 2024-06-18.

Conditions:
Joubert syndrome 17 (JBTS17). Identifiers: Orphanet 475, MedGen C3553264, MONDO:0013824, OMIM 614615.
Orofaciodigital syndrome type 6 (OFD6). Also called: OROFACIODIGITAL SYNDROME VI; OFDS VI; POLYDACTYLY, CLEFT LIP/PALATE OR LINGUAL LUMP, AND PSYCHOMOTOR RETARDATION; VARADI SYNDROME; VARADI-PAPP SYNDROME; Oral-facial-digital syndrome type 6. Identifiers: Orphanet 2754, MedGen C2745997, MONDO:0010176, OMIM 277170.

Allele frequency attached by ClinVar (database versions not stated): gnomAD 0.00002; gnomAD exomes 0.00002 and 0.00004; ExAC 0.00003; TOPMed 0.00003.
gnomAD v4.1: 36 of 1,613,190 alleles (0.0022%); highest among the groups gnomAD compares: Middle Eastern, 0.016%; no homozygotes.

Submissions (2):

Fulgent Genetics
Classification: Uncertain significance for Orofaciodigital syndrome type 6; Joubert syndrome 17. Last evaluated: 2024-06-18. Review status: criteria provided, single submitter. Criteria: ACMG Guidelines, 2015. Collection method: clinical testing. Allele origin: germline.

Labcorp Genetics (formerly Invitae), Labcorp
Classification: Uncertain significance. Last evaluated: 2022-09-07. Review status: criteria provided, single submitter. Criteria: Invitae Variant Classification Sherloc (09022015). Collection method: clinical testing. Allele origin: germline.
Comment: This sequence change replaces glutamine, which is neutral and polar, with arginine, which is basic and polar, at codon 1689 of the CPLANE1 protein (p.Gln1689Arg). This variant is present in population databases (rs761691903, gnomAD 0.009%). This variant has not been reported in the literature in individuals affected with CPLANE1-related conditions. ClinVar contains an entry for this variant (Variation ID: 1410818). Advanced modeling of protein sequence and biophysical properties (such as structural, functional, and spatial information, amino acid conservation, physicochemical variation, residue mobility, and thermodynamic stability) performed at Invitae indicates that this missense variant is not expected to disrupt CPLANE1 protein function. In summary, the available evidence is currently insufficient to determine the role of this variant in disease. Therefore, it has been classified as a Variant of Uncertain Significance.